The following is an entry in ClinVar:

NM_018417.6(ADCY10):c.3140C>T (p.Thr1047Ile)

Gene: ADCY10 (adenylate cyclase 10; minus strand). Cytogenetic location: 1q24.2.
Variant type: single nucleotide variant.
Coding change: c.3140C>T on transcript NM_018417.6 (MANE Select); coding-DNA position 3140, C replaced by T.
Protein change: p.Thr1047Ile; replaces threonine 1047 with isoleucine.
Molecular consequence: missense variant.
Genome position (GRCh38, 1-based): chr1:167,836,478, G>A on the plus strand (C>T on the coding strand, the complement: ADCY10 is on the minus strand). VCF-style: chr1-167836478-G-A. GRCh37 (hg19) VCF-style: chr1-167805716-G-A.
Other names: c.2681C>T, p.Thr894Ile (NM_001167749.3); c.2864C>T, p.Thr955Ile (NM_001297772.2); short protein forms T1047I, T894I, T955I.
Identifiers: ClinVar variation 2988277 (VCV002988277.3), dbSNP rs757918877, ClinGen allele CA1227433.

ClinVar aggregate classification (germline): Uncertain significance (1 of 4 stars; one submission).

Allele frequency attached by ClinVar (database versions not stated): TOPMed 0.00001; gnomAD exomes 0.00002; ExAC 0.00004.
gnomAD v4.1: 11 of 1,614,102 alleles (0.00068%); highest among the groups gnomAD compares: Admixed American, 0.018%; no homozygotes.

Submission:

Labcorp Genetics (formerly Invitae), Labcorp
Classification: Uncertain significance. Last evaluated: 2022-11-23. Review status: criteria provided, single submitter. Criteria: Invitae Variant Classification Sherloc (09022015). Collection method: clinical testing. Allele origin: germline.
Comment: Algorithms developed to predict the effect of missense changes on protein structure and function (SIFT, PolyPhen-2, Align-GVGD) all suggest that this variant is likely to be tolerated. This variant is present in population databases (rs757918877, gnomAD 0.04%). This variant has not been reported in the literature in individuals affected with ADCY10-related conditions. In summary, the available evidence is currently insufficient to determine the role of this variant in disease. Therefore, it has been classified as a Variant of Uncertain Significance. This sequence change replaces threonine, which is neutral and polar, with isoleucine, which is neutral and non-polar, at codon 1047 of the ADCY10 protein (p.Thr1047Ile).